The following is an entry in ClinVar:

NM_017777.4(MKS1):c.521G>A (p.Gly174Asp)

Gene: MKS1 (MKS transition zone complex subunit 1; minus strand). Cytogenetic location: 17q22.
Variant type: single nucleotide variant.
Coding change: c.521G>A on transcript NM_017777.4 (MANE Select); coding-DNA position 521, G replaced by A.
Protein change: p.Gly174Asp; replaces glycine 174 with aspartic acid.
Molecular consequence: missense variant. On other transcripts: 5 prime UTR variant (1).
Genome position (GRCh38, 1-based): chr17:58,214,382, C>T on the plus strand (G>A on the coding strand, the complement: MKS1 is on the minus strand). VCF-style: chr17-58214382-C-T. GRCh37 (hg19) VCF-style: chr17-56291743-C-T.
Other names: c.-89G>A (NM_001321268.2); c.521G>A, p.Gly174Asp (NM_001321269.2, NM_001330397.2); short protein forms G174D.
Identifiers: ClinVar variation 1369024 (VCV001369024.3), dbSNP rs2143805491, ClinGen allele CA400327086.

ClinVar aggregate classification (germline): Uncertain significance (1 of 4 stars; one submission).

Conditions:
Joubert syndrome. Also called: CEREBELLOPARENCHYMAL DISORDER IV; JOUBERT-BOLTSHAUSER SYNDROME; Familial aplasia of the vermis. Identifiers: Orphanet 475, MedGen C5979921, MONDO:0018772.
Meckel-Gruber syndrome. Also called: DYSENCEPHALIA SPLANCHNOCYSTICA; GRUBER SYNDROME; Dysencephalia splachnocystica. Identifiers: Orphanet 564, MedGen C0265215, MONDO:0018921.

gnomAD v4.1: 1 of 1,613,044 alleles (0.000062%); highest among the groups gnomAD compares: Non-Finnish European, 0.000085%; no homozygotes.

Submission:

Labcorp Genetics (formerly Invitae), Labcorp
Classification: Uncertain significance for Joubert syndrome; Meckel-Gruber syndrome. Last evaluated: 2022-03-10. Review status: criteria provided, single submitter. Criteria: Invitae Variant Classification Sherloc (09022015). Collection method: clinical testing. Allele origin: germline.
Comment: This sequence change replaces glycine, which is neutral and non-polar, with aspartic acid, which is acidic and polar, at codon 174 of the MKS1 protein (p.Gly174Asp). This variant is not present in population databases (gnomAD no frequency). This variant has not been reported in the literature in individuals affected with MKS1-related conditions. Advanced modeling of protein sequence and biophysical properties (such as structural, functional, and spatial information, amino acid conservation, physicochemical variation, residue mobility, and thermodynamic stability) performed at Invitae indicates that this missense variant is not expected to disrupt MKS1 protein function. In summary, the available evidence is currently insufficient to determine the role of this variant in disease. Therefore, it has been classified as a Variant of Uncertain Significance.